The following is an entry in ClinVar:

NM_000789.4(ACE):c.2492C>A (p.Thr831Lys)

Gene: ACE (angiotensin I converting enzyme; plus strand). Cytogenetic location: 17q23.3.
Variant type: single nucleotide variant.
Coding change: c.2492C>A on transcript NM_000789.4 (MANE Select); coding-DNA position 2492, C replaced by A.
Protein change: p.Thr831Lys; replaces threonine 831 with lysine.
Molecular consequence: missense variant. On other transcripts: non-coding transcript variant (1), intron variant (1).
Genome position (GRCh38, 1-based): chr17:63,488,983, C>A. VCF-style: chr17-63488983-C-A. GRCh37 (hg19) VCF-style: chr17-61566344-C-A.
Other names: c.770C>A, p.Thr257Lys (NM_001178057.2, NM_152830.3); c.1925C>A, p.Thr642Lys (NM_001382700.1); c.1640C>A, p.Thr547Lys (NM_001382701.1); c.379+192C>A (NM_001382702.1); short protein forms T257K, T547K, T642K, T831K.
Identifiers: ClinVar variation 3774099 (VCV003774099.1).

ClinVar aggregate classification (germline): Uncertain significance (1 of 4 stars; one submission).

gnomAD v4.1: 1 of 1,614,202 alleles (0.000062%); highest among the groups gnomAD compares: South Asian, 0.0011%; no homozygotes.

Submission:

GeneDx
Classification: Uncertain significance. Last evaluated: 2024-09-18. Review status: criteria provided, single submitter. Criteria: GeneDx Variant Classification Process June 2021. Collection method: clinical testing. Allele origin: germline. Affected: yes.
Comment: Not observed at significant frequency in large population cohorts (gnomAD); In silico analysis supports that this missense variant has a deleterious effect on protein structure/function; Has not been previously published as pathogenic or benign to our knowledge